The following is an entry in ClinVar:

ClinVar aggregate classification (germline): Uncertain significance (1 of 4 stars; one submission).

Conditions:
Familial cold autoinflammatory syndrome 3 (FCAS3). Also called: FAMILIAL ATYPICAL COLD URTICARIA; ANTIBODY DEFICIENCY AND IMMUNE DYSREGULATION, PLCG2-ASSOCIATED. Identifiers: Orphanet 300359, MedGen C3280914, MONDO:0013766, OMIM 614468.

Submission:

Labcorp Genetics (formerly Invitae), Labcorp
Classification: Uncertain significance for Familial cold autoinflammatory syndrome 3. Last evaluated: 2022-10-05. Review status: criteria provided, single submitter. Criteria: Invitae Variant Classification Sherloc (09022015). Collection method: clinical testing. Allele origin: germline.
Comment: This sequence change replaces tyrosine, which is neutral and polar, with histidine, which is basic and polar, at codon 647 of the PLCG2 protein (p.Tyr647His). This variant is not present in population databases (gnomAD no frequency). This variant has not been reported in the literature in individuals affected with PLCG2-related conditions. Algorithms developed to predict the effect of missense changes on protein structure and function (SIFT, PolyPhen-2, Align-GVGD) all suggest that this variant is likely to be disruptive. In summary, the available evidence is currently insufficient to determine the role of this variant in disease. Therefore, it has been classified as a Variant of Uncertain Significance.

NM_002661.5(PLCG2):c.1939T>C (p.Tyr647His)

Gene: PLCG2 (phospholipase C gamma 2; plus strand). Cytogenetic location: 16q23.3.
Variant type: single nucleotide variant.
Coding change: c.1939T>C on transcript NM_002661.5 (MANE Select); coding-DNA position 1939, T replaced by C.
Protein change: p.Tyr647His; replaces tyrosine 647 with histidine.
Molecular consequence: missense variant.
Genome position (GRCh38, 1-based): chr16:81,912,601, T>C. VCF-style: chr16-81912601-T-C. GRCh37 (hg19) VCF-style: chr16-81946206-T-C.
Other names: short protein forms Y647H.
Identifiers: ClinVar variation 1999461 (VCV001999461.4), dbSNP rs2507680987, ClinGen allele CA396901212.
Genomic context (GRCh38, chr16:81,912,601, plus strand): 5'-CCACTGACAGCCTGGAGACCGCTCACCTGGTCGTTTTCCCTGGCCCTGTGCCGCAGGTGG[T>C]ACTATGACAGCCTGAGCCGCGGAGAGGCAGAGGACATGCTGATGAGGATTCCCCGGGACG-3'
Protein context (NP_002652.2, residues 637-657): NPNPHESKPW[Tyr647His]YDSLSRGEAE